The following is an entry in ClinVar:

NM_001308210.2(TSHZ1):c.2549G>A (p.Arg850His)

Gene: TSHZ1 (teashirt zinc finger homeobox 1; plus strand). Cytogenetic location: 18q22.3.
Variant type: single nucleotide variant.
Coding change: c.2549G>A on transcript NM_001308210.2 (MANE Select); coding-DNA position 2549, G replaced by A.
Protein change: p.Arg850His; replaces arginine 850 with histidine.
Molecular consequence: missense variant.
Genome position (GRCh38, 1-based): chr18:75,287,956, G>A. VCF-style: chr18-75287956-G-A. GRCh37 (hg19) VCF-style: chr18-72999911-G-A.
Other names: c.2414G>A, p.Arg805His (NM_005786.6); short protein forms R850H, R805H.
Identifiers: ClinVar variation 2295998 (VCV002295998.4), dbSNP rs150517197, ClinGen allele CA9002311.
Genomic context (GRCh38, chr18:75,287,956, plus strand): 5'-CACCTCTGCGGGAGAGCGCACTCATGGACATCTCCGACATGGTGAAAAACCTCACAGGCC[G>A]CCTGACGCCCAAGTCCTCCACGCCCTCCACAGTTTCAGAGAAGTCCGATGCTGATGGCAG-3'
Protein context (NP_001295139.1, residues 840-860): ISDMVKNLTG[Arg850His]LTPKSSTPST

ClinVar aggregate classification (germline): Uncertain significance. Review status: criteria provided, multiple submitters, no conflicts (2 of 4 stars). 2 submissions from 2 submitters: Uncertain significance (2). Last evaluated 2024-12-06.

Allele frequency attached by ClinVar (database versions not stated): ExAC 0.00012; ESP Exome Variant Server 0.00015; gnomAD 0.00030; TOPMed 0.00041.
gnomAD v4.1: 298 of 1,614,074 alleles (0.018%); highest among the groups gnomAD compares: Admixed American, 0.073%; no homozygotes.

Submissions (2):

Ambry Genetics
Classification: Uncertain significance. Last evaluated: 2024-12-06. Review status: criteria provided, single submitter. Criteria: Ambry Variant Classification Scheme 2023. Collection method: clinical testing. Allele origin: germline.

Women's Health and Genetics/Laboratory Corporation of America, LabCorp
Classification: Uncertain significance. Last evaluated: 2024-05-17. Review status: criteria provided, single submitter. Criteria: LabCorp Variant Classification Summary - May 2015. Collection method: clinical testing. Allele origin: germline.
Comment: Variant summary: TSHZ1 c.2414G>A (p.Arg805His) results in a non-conservative amino acid change in the encoded protein sequence. Three of five in-silico tools predict a damaging effect of the variant on protein function. The variant allele was found at a frequency of 0.00015 in 251374 control chromosomes. To our knowledge, no occurrence of c.2414G>A in individuals affected with Congenital Aural Atresia and no experimental evidence demonstrating its impact on protein function have been reported. ClinVar contains an entry for this variant (Variation ID: 2295998). Based on the evidence outlined above, the variant was classified as uncertain significance.